The following is an entry in ClinVar:

ClinVar aggregate classification (germline): Uncertain significance (1 of 4 stars; one submission).

Conditions:
Autoimmune lymphoproliferative syndrome type 2B. Also called: AUTOIMMUNE LYMPHOPROLIFERATIVE SYNDROME, TYPE IIB. Identifiers: Orphanet 275517, MedGen C1846545, MONDO:0011804, OMIM 607271.

Submission:

Labcorp Genetics (formerly Invitae), Labcorp
Classification: Uncertain significance for Autoimmune lymphoproliferative syndrome type 2B. Last evaluated: 2022-09-01. Review status: criteria provided, single submitter. Criteria: Invitae Variant Classification Sherloc (09022015). Collection method: clinical testing. Allele origin: germline.
Comment: This sequence change replaces leucine, which is neutral and non-polar, with methionine, which is neutral and non-polar, at codon 171 of the CASP8 protein (p.Leu171Met). In summary, the available evidence is currently insufficient to determine the role of this variant in disease. Therefore, it has been classified as a Variant of Uncertain Significance. Algorithms developed to predict the effect of missense changes on protein structure and function (SIFT, PolyPhen-2, Align-GVGD) all suggest that this variant is likely to be tolerated. ClinVar contains an entry for this variant (Variation ID: 856194). This variant has not been reported in the literature in individuals affected with CASP8-related conditions. This variant is not present in population databases (gnomAD no frequency).

NM_001372051.1(CASP8):c.415C>A (p.Leu139Met)

Gene: CASP8 (caspase 8; plus strand). Cytogenetic location: 2q33.1.
Variant type: single nucleotide variant.
Coding change: c.415C>A on transcript NM_001372051.1 (MANE Select); coding-DNA position 415, C replaced by A.
Protein change: p.Leu139Met; replaces leucine 139 with methionine.
Molecular consequence: missense variant. On other transcripts: 5 prime UTR variant (11), non-coding transcript variant (22).
Genome position (GRCh38, 1-based): chr2:201,272,641, C>A. VCF-style: chr2-201272641-C-A. GRCh37 (hg19) VCF-style: chr2-202137364-C-A.
Other names: c.415C>A, p.Leu139Met (NM_001080124.2, NM_001400645.1, NM_001400648.1 and 20 more transcripts); c.592C>A, p.Leu198Met (NM_001080125.2, NM_001400642.1, NM_001400665.1); c.511C>A, p.Leu171Met (NM_001228.5); c.106C>A, p.Leu36Met (NM_001400669.1); c.-118C>A (NM_001400671.1, NM_001400672.1, NM_001400673.1 and 6 more transcripts); c.-299C>A (NM_001400674.1); c.-197C>A (NM_001400680.1); short protein forms L139M, L198M, L171M, L36M.
Identifiers: ClinVar variation 856194 (VCV000856194.10), dbSNP rs1948345294, ClinGen allele CA350288243.
Genomic context (GRCh38, chr2:201,272,641, plus strand): 5'-ATCTAAAAACCAGTAGGGCTCAATCCAGATTCCCAACTTTATTTCTCCTCCTCTTAGAAC[C>A]TGCTGGATATTTTCATAGAGATGGAGAAGAGGGTCATCCTGGGAGAAGGAAAGTTGGACA-3'
Protein context (NP_001358980.1, residues 129-149): SKCKLDDDMN[Leu139Met]LDIFIEMEKR